The following is an entry in ClinVar:

ClinVar aggregate classification (germline): Conflicting classifications of pathogenicity. Review status: criteria provided, conflicting classifications (1 of 4 stars). 3 submissions from 3 submitters: Uncertain significance (1); Likely benign (2). Last evaluated 2026-02-01.

Allele frequency attached by ClinVar (database versions not stated): gnomAD 0.00005.
gnomAD v4.1: 30 of 429,096 alleles (0.007%); highest among the groups gnomAD compares: African/African-American, 0.013%; no homozygotes.

Submissions (3):

Labcorp Genetics (formerly Invitae), Labcorp
Classification: Likely benign. Last evaluated: 2026-02-01. Review status: criteria provided, single submitter. Criteria: Invitae Variant Classification Sherloc (09022015). Collection method: clinical testing. Allele origin: germline.

Blueprint Genetics
Classification: Likely benign. Last evaluated: 2024-05-23. Review status: criteria provided, single submitter. Criteria: ACMG Guidelines, 2015. Collection method: clinical testing. Allele origin: germline.

CeGaT Center for Human Genetics Tuebingen
Classification: Uncertain significance. Last evaluated: 2023-08-01. Review status: criteria provided, single submitter. Criteria: CeGaT Center For Human Genetics Tuebingen Variant Classification Criteria Version 2. Collection method: clinical testing. Allele origin: germline. Affected: yes. Observed: 1 variant allele.
Comment: TCF3: PM2, BP4

NM_003200.5(TCF3):c.550-8G>A

Gene: TCF3 (transcription factor 3; minus strand). Cytogenetic location: 19p13.3.
Variant type: single nucleotide variant.
Coding change: c.550-8G>A on transcript NM_003200.5 (MANE Select); 8 bases into the intron before coding-DNA position 550, G replaced by A.
Molecular consequence: intron variant.
Genome position (GRCh38, 1-based): chr19:1,622,423, C>T on the plus strand (G>A on the coding strand, the complement: TCF3 is on the minus strand). VCF-style: chr19-1622423-C-T. GRCh37 (hg19) VCF-style: chr19-1622422-C-T.
Other names: c.550-8G>A (NM_001351778.2, NM_001136139.4, NM_001351779.2).
Identifiers: ClinVar variation 2648941 (VCV002648941.28), dbSNP rs750644305, ClinGen allele CA9050310.